The following is an entry in ClinVar:

ClinVar aggregate classification (germline): Likely benign. Review status: criteria provided, multiple submitters, no conflicts (2 of 4 stars). 2 submissions from 2 submitters: Likely benign (2). Last evaluated 2025-12-07.

Submissions (2):

Mayo Clinic Laboratories, Mayo Clinic
Classification: Likely benign. Last evaluated: 2025-12-07. Review status: criteria provided, single submitter. Criteria: ACMG Guidelines, 2015. Collection method: clinical testing. Allele origin: germline. Observed: 1 variant allele.
Comment: BP4, BP7, PM2_supporting

Labcorp Genetics (formerly Invitae), Labcorp
Classification: Likely benign. Last evaluated: 2025-04-14. Review status: criteria provided, single submitter. Criteria: Invitae Variant Classification Sherloc (09022015). Collection method: clinical testing. Allele origin: germline.

NM_000342.4(SLC4A1):c.183G>C (p.Leu61=)

Gene: SLC4A1 (solute carrier family 4 member 1 (Diego blood group); minus strand). Cytogenetic location: 17q21.31.
Variant type: single nucleotide variant.
Coding change: c.183G>C on transcript NM_000342.4 (MANE Select); coding-DNA position 183, G replaced by C.
Protein change: p.Leu61=; no amino-acid change (leucine 61 retained).
Molecular consequence: synonymous variant.
Genome position (GRCh38, 1-based): chr17:44,260,801, C>G on the plus strand (G>C on the coding strand, the complement: SLC4A1 is on the minus strand). VCF-style: chr17-44260801-C-G. GRCh37 (hg19) VCF-style: chr17-42338169-C-G.
Other names: p.Leu61=.
Identifiers: ClinVar variation 4684223 (VCV004684223.2).